The following is an entry in ClinVar:

ClinVar aggregate classification (germline): Uncertain significance. Review status: criteria provided, multiple submitters, no conflicts (2 of 4 stars). 2 submissions from 2 submitters: Uncertain significance (2). Last evaluated 2025-12-08.

Conditions:
Cardiovascular phenotype. Identifiers: MedGen CN230736.
Progressive familial heart block type IB (PFHB1B). Identifiers: Orphanet 871, MedGen C1970298, MONDO:0011474, OMIM 604559.

Submissions (2):

Labcorp Genetics (formerly Invitae), Labcorp
Classification: Uncertain significance for Progressive familial heart block type IB. Last evaluated: 2025-12-08. Review status: criteria provided, single submitter. Criteria: Invitae Variant Classification Sherloc (09022015). Collection method: clinical testing. Allele origin: germline.
Comment: This sequence change replaces glutamic acid, which is acidic and polar, with lysine, which is basic and polar, at codon 608 of the TRPM4 protein (p.Glu608Lys). This variant is not present in population databases (gnomAD no frequency). This variant has not been reported in the literature in individuals affected with TRPM4-related conditions. ClinVar contains an entry for this variant (Variation ID: 1427961). An algorithm developed to predict the effect of missense changes on protein structure and function (PolyPhen-2) suggests that this variant is likely to be disruptive. In summary, the available evidence is currently insufficient to determine the role of this variant in disease. Therefore, it has been classified as a Variant of Uncertain Significance.

Ambry Genetics
Classification: Uncertain significance for Cardiovascular phenotype. Last evaluated: 2025-08-03. Review status: criteria provided, single submitter. Criteria: Ambry Variant Classification Scheme 2023. Collection method: clinical testing. Allele origin: germline.
Comment: The p.E608K variant (also known as c.1822G>A), located in coding exon 13 of the TRPM4 gene, results from a G to A substitution at nucleotide position 1822. The glutamic acid at codon 608 is replaced by lysine, an amino acid with similar properties. This amino acid position is conserved. In addition, this alteration is predicted to be tolerated by in silico analysis. Based on the available evidence, the clinical significance of this variant remains unclear.

NM_017636.4(TRPM4):c.1822G>A (p.Glu608Lys)

Gene: TRPM4 (transient receptor potential cation channel subfamily M member 4; plus strand). Cytogenetic location: 19q13.33.
Variant type: single nucleotide variant.
Coding change: c.1822G>A on transcript NM_017636.4 (MANE Select); coding-DNA position 1822, G replaced by A.
Protein change: p.Glu608Lys; replaces glutamic acid 608 with lysine.
Molecular consequence: missense variant.
Genome position (GRCh38, 1-based): chr19:49,188,719, G>A. VCF-style: chr19-49188719-G-A. GRCh37 (hg19) VCF-style: chr19-49691976-G-A.
Other names: c.1822G>A, p.Glu608Lys (NM_001195227.2); c.1477G>A, p.Glu493Lys (NM_001321281.2); c.214G>A, p.Glu72Lys (NM_001321282.2); c.1300G>A, p.Glu434Lys (NM_001321283.2); c.760G>A, p.Glu254Lys (NM_001321285.2); c.1822G>A (NM_017636.3); short protein forms E254K, E72K, E608K, E434K, E493K.
Identifiers: ClinVar variation 1427961 (VCV001427961.10), dbSNP rs2122982636, ClinGen allele CA406803070.